The following is an entry in ClinVar:

ClinVar aggregate classification (germline): Likely benign (1 of 4 stars; one submission).

Allele frequency attached by ClinVar (database versions not stated): gnomAD exomes below 0.00001.
gnomAD v4.1: 3 of 1,614,208 alleles (0.00019%); highest among the groups gnomAD compares: Non-Finnish European, 0.000085%; no homozygotes.

Submission:

CeGaT Center for Human Genetics Tuebingen
Classification: Likely benign. Last evaluated: 2022-09-01. Review status: criteria provided, single submitter. Criteria: CeGaT Center For Human Genetics Tuebingen Variant Classification Criteria Version 2. Collection method: clinical testing. Allele origin: germline. Affected: yes. Observed: 1 variant allele.
Comment: NSD1: PM2:Supporting, BP4, BP7

NM_022455.5(NSD1):c.585T>C (p.Tyr195=)

Gene: NSD1 (nuclear receptor binding SET domain protein 1; plus strand). Cytogenetic location: 5q35.3.
Variant type: single nucleotide variant.
Coding change: c.585T>C on transcript NM_022455.5 (MANE Select); coding-DNA position 585, T replaced by C.
Protein change: p.Tyr195=; no amino-acid change (tyrosine 195 retained).
Molecular consequence: synonymous variant. On other transcripts: intron variant (8).
Genome position (GRCh38, 1-based): chr5:177,135,688, T>C. VCF-style: chr5-177135688-T-C. GRCh37 (hg19) VCF-style: chr5-176562689-T-C.
Other names: c.585T>C, p.Tyr195= (NM_001409301.1, NM_001409302.1, NM_001409303.1); c.417+168T>C (NM_001409304.1); c.-36-253T>C (NM_001409305.1, NM_001409306.1, NM_001409308.1 and 4 more transcripts).
Identifiers: ClinVar variation 2656098 (VCV002656098.24), dbSNP rs2480090099, ClinGen allele CA447959623.